The following is an entry in ClinVar:

ClinVar aggregate classification (germline): Uncertain significance (1 of 4 stars; one submission).

Allele frequency attached by ClinVar (database versions not stated): gnomAD exomes below 0.00001; gnomAD 0.00001.
gnomAD v4.1: 2 of 1,611,210 alleles (0.00012%); highest among the groups gnomAD compares: Non-Finnish European, 0.00017%; no homozygotes.

Submission:

Labcorp Genetics (formerly Invitae), Labcorp
Classification: Uncertain significance. Last evaluated: 2021-12-02. Review status: criteria provided, single submitter. Criteria: Invitae Variant Classification Sherloc (09022015). Collection method: clinical testing. Allele origin: germline.
Comment: In summary, the available evidence is currently insufficient to determine the role of this variant in disease. Therefore, it has been classified as a Variant of Uncertain Significance. Algorithms developed to predict the effect of sequence changes on RNA splicing suggest that this variant may disrupt the consensus splice site. This variant has not been reported in the literature in individuals affected with ERMARD-related conditions. This variant is not present in population databases (gnomAD no frequency). This sequence change affects a donor splice site in intron 9 of the ERMARD gene. It is expected to disrupt RNA splicing. Variants that disrupt the donor or acceptor splice site typically lead to a loss of protein function (PMID: 16199547), however the current clinical and genetic evidence is not sufficient to establish whether loss-of-function variants in ERMARD cause disease.

Literature cited by the submitters: PubMed 16199547.

NM_018341.3(ERMARD):c.960+1G>T

Gene: ERMARD (ER membrane associated RNA degradation; plus strand). Cytogenetic location: 6q27.
Variant type: single nucleotide variant.
Coding change: c.960+1G>T on transcript NM_018341.3 (MANE Select); the canonical splice donor site of the intron after coding-DNA position 960, G replaced by T.
Molecular consequence: splice donor variant.
Genome position (GRCh38, 1-based): chr6:169,762,532, G>T. VCF-style: chr6-169762532-G-T. GRCh37 (hg19) VCF-style: chr6-170162628-G-T.
Other names: c.960+1G>T (NM_001278531.2, NM_001278533.2); c.582+1G>T (NM_001278532.2, NM_001410957.1).
Identifiers: ClinVar variation 1350642 (VCV001350642.6), dbSNP rs1791688882, ClinGen allele CA366499318.
Genomic context (GRCh38, chr6:169,762,532, plus strand): 5'-GGACTTAGGAATGTTTTTGCCACACTTAACAGATGTCCAAAAAGACTCCTGACTGCTGAG[G>T]TAAGCTTGTTTTTATTATTGATTGTGATCATTGTTGCTGTATTAACAGTTTTCTGTTACC-3'